The following is an entry in ClinVar:

ClinVar aggregate classification (germline): Uncertain significance (1 of 4 stars; one submission).

Conditions:
Propionic acidemia (PROP). Also called: GLYCINEMIA, KETOTIC; HYPERGLYCINEMIA WITH KETOACIDOSIS AND LEUKOPENIA; KETOTIC HYPERGLYCINEMIA. Identifiers: Orphanet 35, MedGen C0268579, MONDO:0011628, OMIM 606054, HP:0003571.

Allele frequency attached by ClinVar (database versions not stated): gnomAD exomes below 0.00001; TOPMed below 0.00001.
gnomAD v4.1: 1 of 1,613,068 alleles (0.000062%); highest among the groups gnomAD compares: Non-Finnish European, 0.000085%; no homozygotes.

Submission:

Labcorp Genetics (formerly Invitae), Labcorp
Classification: Uncertain significance for Propionic acidemia. Last evaluated: 2022-01-29. Review status: criteria provided, single submitter. Criteria: Invitae Variant Classification Sherloc (09022015). Collection method: clinical testing. Allele origin: germline.
Comment: This sequence change replaces aspartic acid, which is acidic and polar, with valine, which is neutral and non-polar, at codon 309 of the PCCA protein (p.Asp309Val). This variant is not present in population databases (gnomAD no frequency). This variant has not been reported in the literature in individuals affected with PCCA-related conditions. Advanced modeling of protein sequence and biophysical properties (such as structural, functional, and spatial information, amino acid conservation, physicochemical variation, residue mobility, and thermodynamic stability) performed at Invitae indicates that this missense variant is expected to disrupt PCCA protein function. In summary, the available evidence is currently insufficient to determine the role of this variant in disease. Therefore, it has been classified as a Variant of Uncertain Significance.

NM_000282.4(PCCA):c.926A>T (p.Asp309Val)

Gene: PCCA (propionyl-CoA carboxylase subunit alpha; plus strand). Cytogenetic location: 13q32.3.
Variant type: single nucleotide variant.
Coding change: c.926A>T on transcript NM_000282.4 (MANE Select); coding-DNA position 926, A replaced by T.
Protein change: p.Asp309Val; replaces aspartic acid 309 with valine.
Molecular consequence: missense variant. On other transcripts: 5 prime UTR variant (3), non-coding transcript variant (5).
Genome position (GRCh38, 1-based): chr13:100,273,207, A>T. VCF-style: chr13-100273207-A-T. GRCh37 (hg19) VCF-style: chr13-100925461-A-T.
Other names: c.848A>T, p.Asp283Val (NM_001127692.3, NM_001352607.2, NM_001352608.2); c.926A>T, p.Asp309Val (NM_001178004.2, NM_001352605.2, NM_001352606.2 and 1 more transcripts); c.-20A>T (NM_001352610.2, NM_001352611.2, NM_001352612.2); short protein forms D309V, D283V.
Identifiers: ClinVar variation 2091101 (VCV002091101.1), dbSNP rs1164960900, ClinGen allele CA388694699.